The following is an entry in ClinVar:

ClinVar aggregate classification (germline): Likely benign. Review status: criteria provided, multiple submitters, no conflicts (2 of 4 stars). 4 submissions from 4 submitters: Likely benign (3). 1 of the submissions does not count toward it. Last evaluated 2025-11-13.

Conditions:
NEXMIF-related disorder. Also called: NEXMIF-related condition.

Allele frequency attached by ClinVar (database versions not stated): gnomAD exomes 0.00002 and 0.00007; ExAC 0.00010; 1000 Genomes Project 30x 0.00021; TOPMed 0.00025; 1000 Genomes Project 0.00026; gnomAD 0.00026; ESP Exome Variant Server 0.00066.
gnomAD v4.1: 57 of 1,209,517 alleles (0.0047%); highest among the groups gnomAD compares: African/African-American, 0.067%; no homozygotes.

Submissions (5):

Labcorp Genetics (formerly Invitae), Labcorp
Classification: Likely benign. Last evaluated: 2025-11-13. Review status: criteria provided, single submitter. Criteria: Invitae Variant Classification Sherloc (09022015). Collection method: clinical testing. Allele origin: germline.

GeneDx
Classification: Likely benign. Last evaluated: 2020-01-27. Review status: criteria provided, single submitter. Criteria: GeneDx Variant Classification Process June 2021. Collection method: clinical testing. Allele origin: germline. Affected: yes.

Ambry Genetics
Classification: Likely benign. Last evaluated: 2018-09-17. Review status: criteria provided, single submitter. Criteria: Ambry Variant Classification Scheme 2023. Collection method: clinical testing. Allele origin: germline.

PreventionGenetics, part of Exact Sciences
Classification: Likely benign for NEXMIF-related condition. Last evaluated: 2023-12-18. Review status: no assertion criteria provided. Collection method: clinical testing. Allele origin: germline. Not counted in ClinVar's aggregate classification.
Comment: This variant is classified as likely benign based on ACMG/AMP sequence variant interpretation guidelines (Richards et al. 2015 PMID: 25741868, with internal and published modifications).

Dr. Peter K. Rogan Lab, Western University
No classification provided (evidence only). Condition: Thyroid cancer, nonmedullary, 1. Review status: no classification provided. Collection method: in vitro. Allele origin: not applicable. Functional consequence: retained intron. Not counted in ClinVar's aggregate classification.

NM_001008537.3(NEXMIF):c.347A>G (p.Asn116Ser)

Gene: NEXMIF (neurite extension and migration factor; minus strand). Cytogenetic location: Xq13.3.
Variant type: single nucleotide variant.
Coding change: c.347A>G on transcript NM_001008537.3 (MANE Select); coding-DNA position 347, A replaced by G.
Protein change: p.Asn116Ser; replaces asparagine 116 with serine.
Molecular consequence: missense variant.
Genome position (GRCh38, 1-based): chrX:74,744,210, T>C on the plus strand (A>G on the coding strand, the complement: NEXMIF is on the minus strand). VCF-style: chrX-74744210-T-C. GRCh37 (hg19) VCF-style: chrX-73964045-T-C.
Other names: short protein forms N116S.
Identifiers: ClinVar variation 733473 (VCV000733473.19), dbSNP rs147908044, ClinGen allele CA10455228.